The following is an entry in ClinVar:

NM_000334.4(SCN4A):c.5424G>A (p.Met1808Ile)

Genes: GH-LCR (growth hormone locus control region; plus strand), SCN4A (sodium voltage-gated channel alpha subunit 4; minus strand). Cytogenetic location: 17q23.3.
Variant type: single nucleotide variant.
Coding change: c.5424G>A on transcript NM_000334.4 (MANE Select); coding-DNA position 5424, G replaced by A.
Protein change: p.Met1808Ile; replaces methionine 1808 with isoleucine.
Molecular consequence: missense variant.
Genome position (GRCh38, 1-based): chr17:63,940,858, C>T on the plus strand (G>A on the coding strand, the complement: SCN4A is on the minus strand). VCF-style: chr17-63940858-C-T. GRCh37 (hg19) VCF-style: chr17-62018218-C-T.
Other names: short protein forms M1808I.
Identifiers: ClinVar variation 543829 (VCV000543829.22), dbSNP rs201375413, ClinGen allele CA8708757.

ClinVar aggregate classification (germline): Likely benign. Review status: criteria provided, multiple submitters, no conflicts (2 of 4 stars). 3 submissions from 3 submitters: Likely benign (3). Last evaluated 2025-11-12.

Conditions:
Hyperkalemic periodic paralysis. Also called: Gamstorp disease; Familial hyperkalemic periodic paralysis. Identifiers: Orphanet 682, MedGen C0238357, MONDO:0008224, OMIM 170500, HP:0007215.

Allele frequency attached by ClinVar (database versions not stated): TOPMed 0.00045; ESP Exome Variant Server 0.00048; gnomAD exomes 0.00007 and 0.00013; ExAC 0.00017; 1000 Genomes Project 30x 0.00031; gnomAD 0.00039 and 0.00042; 1000 Genomes Project 0.00040.

Submissions (3):

Women's Health and Genetics/Laboratory Corporation of America, LabCorp
Classification: Likely benign. Last evaluated: 2025-11-12. Review status: criteria provided, single submitter. Criteria: LabCorp Variant Classification Summary - May 2015. Collection method: clinical testing. Allele origin: germline.
Comment: Variant summary: SCN4A c.5424G>A (p.Met1808Ile) results in a conservative amino acid change in the encoded protein sequence. Algorithms developed to predict the effect of missense changes on protein structure and function all suggest that this variant is likely to be tolerated. The variant allele was found at a frequency of 0.00013 in 248326 control chromosomes, predominantly at a frequency of 0.0015 within the African or African-American subpopulation in the gnomAD database. The observed variant frequency within African or African-American control individuals in the gnomAD database exceeds the estimated maximal expected allele frequency for disease-causing variants in SCN4A. To our knowledge, no occurrence of c.5424G>A in individuals affected with SCN4A-related conditions and no experimental evidence demonstrating its impact on protein function have been reported. ClinVar contains an entry for this variant (Variation ID: 543829). Based on the evidence outlined above, the variant was classified as likely benign.

Labcorp Genetics (formerly Invitae), Labcorp
Classification: Likely benign for Hyperkalemic periodic paralysis. Last evaluated: 2025-10-02. Review status: criteria provided, single submitter. Criteria: Invitae Variant Classification Sherloc (09022015). Collection method: clinical testing. Allele origin: germline.

Revvity Omics, Revvity
Classification: Likely benign. Last evaluated: 2024-03-12. Review status: criteria provided, single submitter. Criteria: ACMG Guidelines, 2015. Collection method: clinical testing. Allele origin: germline.